The following is an entry in ClinVar:

NC_000021.8:g.(?_47410677)_(47410965_?)dup

Gene: COL6A1 (collagen type VI alpha 1 chain; plus strand). Cytogenetic location: 21q22.3.
Variant type: Duplication.
Identifiers: ClinVar variation 1056094 (VCV001056094.7).

ClinVar aggregate classification (germline): Uncertain significance (1 of 4 stars; one submission).

Conditions:
Bethlem myopathy 1A. Also called: Bethlem Muscular Dystrophy; MYOPATHY, BENIGN CONGENITAL, WITH CONTRACTURES; Bethlem myopathy 1. Identifiers: Orphanet 610, MedGen CN029274, MONDO:0024530, OMIM 158810.

Submission:

Labcorp Genetics (formerly Invitae), Labcorp
Classification: Uncertain significance for Bethlem myopathy 1A. Last evaluated: 2020-10-05. Review status: criteria provided, single submitter. Criteria: Invitae Variant Classification Sherloc (09022015). Collection method: clinical testing. Allele origin: germline.
Comment: In summary, the available evidence is currently insufficient to determine the role of this variant in disease. Therefore, it has been classified as a Variant of Uncertain Significance. Experimental studies and prediction algorithms are not available or were not evaluated, and the functional significance of this variant is currently unknown. This variant has not been reported in the literature in individuals with COL6A1-related conditions. This variant results in a copy number gain of the genomic region encompassing exon(s) 14-15 of the COL6A1 gene. While the exact position of this variant cannot be determined from the data, sub-genic copy number gains are generally in tandem (PMID: 25640679). This variant is predicted to be in-frame, and likely preserves the integrity of the reading frame.

Literature cited by the submitters: PubMed 25640679.